The following is an entry in ClinVar:

NM_001258392.3(CLPB):c.1487-248_1487-244del

Gene: CLPB (caseinolytic mitochondrial matrix peptidase chaperone subunit B; minus strand). Cytogenetic location: 11q13.4.
Variant type: Microsatellite.
Coding change: c.1487-248_1487-244del on transcript NM_001258392.3 (MANE Select); 248 bases into the intron before coding-DNA position 1487 through 244 bases into the intron before coding-DNA position 1487, 5 bases deleted (TCTCC; older notation c.1487-248_1487-244delTCTCC).
Molecular consequence: intron variant.
Genome position (GRCh38, 1-based): chr11:72,294,937-72,294,941, GGAGA deleted on the plus strand (TCTCC on the coding strand, the reverse complement: CLPB is on the minus strand); deleting any 5 consecutive bases within chr11:72,294,937-72,294,949 gives the same sequence; the c. name uses the placement nearest the transcript's 3' end. VCF-style (leftmost placement, unchanged base first): chr11-72294936-GGGAGA-G. GRCh37 (hg19) VCF-style: chr11-72005980-GGGAGA-G.
Other names: c.1400-248_1400-244del (NM_001258393.3); c.1577-248_1577-244del (NM_030813.6); c.1442-248_1442-244del (NM_001258394.3).
Identifiers: ClinVar variation 673306 (VCV000673306.1), dbSNP rs72333851, ClinGen allele CA224386153.
Genomic context (GRCh38, chr11:72,294,936, plus strand): 5'-CTTTCCAGCTCTCAAGTGTATGAAGTCTGCGATTCCTCAGGGTGGGAGTTGTGTGAGGGA[GGGAGA>G]GGAGAGGAAACGTCAGGATTAAGACTTGAGTCCTGACTTGGAGGAAGGGGGCTGCAGGGC-3'

ClinVar aggregate classification (germline): Benign (1 of 4 stars; one submission).

Submission:

GeneDx
Classification: Benign. Last evaluated: 2018-06-14. Review status: criteria provided, single submitter. Criteria: GeneDx Variant Classification (06012015). Collection method: clinical testing. Allele origin: germline. Affected: yes.
Comment: This variant is considered likely benign or benign based on one or more of the following criteria: it is a conservative change, it occurs at a poorly conserved position in the protein, it is predicted to be benign by multiple in silico algorithms, and/or has population frequency not consistent with disease.